The following is an entry in ClinVar:

NM_001903.5(CTNNA1):c.1748-3_1748-2del

Gene: CTNNA1 (catenin alpha 1; plus strand). Cytogenetic location: 5q31.2.
Variant type: Microsatellite.
Coding change: c.1748-3_1748-2del on transcript NM_001903.5 (MANE Select); 3 bases into the intron before coding-DNA position 1748 through the canonical splice acceptor site of the intron before coding-DNA position 1748, 2 bases deleted (CA; older notation c.1748-3_1748-2delCA).
Molecular consequence: splice acceptor variant.
Genome position (GRCh38, 1-based): chr5:138,925,253-138,925,254, CA deleted; deleting any 2 consecutive bases within chr5:138,925,251-138,925,254 gives the same sequence; the c. name uses the placement nearest the transcript's 3' end. VCF-style (leftmost placement, unchanged base first): chr5-138925250-CCA-C. GRCh37 (hg19) VCF-style: chr5-138260939-CCA-C.
Other names: c.1748-3_1748-2del (NM_001323982.2, NM_001323984.2, NM_001290307.3 and 2 more transcripts); c.1655-3_1655-2del (NM_001323986.2); c.1379-3_1379-2del (NM_001290310.3); c.1439-3_1439-2del (NM_001290309.3); c.638-3_638-2del (NM_001323996.1, NM_001323993.1, NM_001324005.1 and 17 more transcripts); c.299-3_299-2del (NM_001324007.1, NM_001324009.1, NM_001324006.1 and 2 more transcripts); c.395-3_395-2del (NM_001324013.1, NM_001324012.1); c.545-3_545-2del (NM_001324011.1).
Identifiers: ClinVar variation 2622499 (VCV002622499.2), dbSNP rs2533731188, ClinGen allele CA2582341651.

ClinVar aggregate classification (germline): Uncertain significance (1 of 4 stars; one submission).

Conditions:
Hereditary cancer-predisposing syndrome. Also called: Tumor predisposition; Hereditary Cancer Syndrome; Hereditary neoplastic syndrome; Neoplastic Syndromes, Hereditary. Identifiers: Orphanet 140162, MedGen C0027672, MeSH D009386, MONDO:0015356.

Submission:

Ambry Genetics
Classification: Uncertain significance for Hereditary cancer-predisposing syndrome. Last evaluated: 2023-07-27. Review status: criteria provided, single submitter. Criteria: Ambry Variant Classification Scheme 2023. Collection method: clinical testing. Allele origin: germline.
Comment: The c.1748-3_1748-2delCA intronic variant, located in intron 11 of the CTNNA1 gene, results from a deletion of two nucleotides within intron 11 of the CTNNA1 gene. This nucleotide position is well conserved in available vertebrate species. In silico splice site analysis predicts that this alteration will not have any significant effect on splicing. The evidence for this gene-disease relationship is limited; therefore, the clinical significance of this alteration is unclear.